The following is an entry in ClinVar:

NM_198291.3(SRC):c.1416C>T (p.Arg472=)

Gene: SRC (SRC proto-oncogene, non-receptor tyrosine kinase; plus strand). Cytogenetic location: 20q11.23.
Variant type: single nucleotide variant.
Coding change: c.1416C>T on transcript NM_198291.3 (MANE Select); coding-DNA position 1416, C replaced by T.
Protein change: p.Arg472=; no amino-acid change (arginine 472 retained).
Molecular consequence: synonymous variant.
Genome position (GRCh38, 1-based): chr20:37,403,184, C>T. VCF-style: chr20-37403184-C-T. GRCh37 (hg19) VCF-style: chr20-36031587-C-T.
Other names: c.1416C>T, p.Arg472= (NM_005417.5).
Identifiers: ClinVar variation 4978909 (VCV004978909.1).

ClinVar aggregate classification (germline): Likely benign (1 of 4 stars; one submission).

Conditions:
SRC-related disorder. Also called: SRC-related condition.

gnomAD v4.1: 53 of 1,547,432 alleles (0.0034%); highest among the groups gnomAD compares: African/African-American, 0.0082%; no homozygotes.

Submission:

PreventionGenetics, part of Exact Sciences
Classification: Likely benign for SRC-related condition. Last evaluated: 2025-02-12. Review status: criteria provided, single submitter. Criteria: ACMG Guidelines, 2015. Collection method: clinical testing. Allele origin: germline.
Comment: This variant is classified as likely benign based on ACMG/AMP sequence variant interpretation guidelines (Richards et al. 2015 PMID: 25741868, with internal and published modifications).